The following is an entry in ClinVar:

NM_001007527.2(LMBRD2):c.1428C>G (p.Phe476Leu)

Gene: LMBRD2 (LMBR1 domain containing 2; minus strand). Cytogenetic location: 5p13.2.
Variant type: single nucleotide variant.
Coding change: c.1428C>G on transcript NM_001007527.2 (MANE Select); coding-DNA position 1428, C replaced by G.
Protein change: p.Phe476Leu; replaces phenylalanine 476 with leucine.
Molecular consequence: missense variant.
Genome position (GRCh38, 1-based): chr5:36,116,468, G>C on the plus strand (C>G on the coding strand, the complement: LMBRD2 is on the minus strand). VCF-style: chr5-36116468-G-C. GRCh37 (hg19) VCF-style: chr5-36116570-G-C.
Other names: short protein forms F476L.
Identifiers: ClinVar variation 3777058 (VCV003777058.1).

ClinVar aggregate classification (germline): Likely pathogenic (1 of 4 stars; one submission).

Conditions:
Developmental delay with variable neurologic and brain abnormalities (MLHNS). Also called: MALHOTRA NEURODEVELOPMENTAL SYNDROME. Identifiers: MedGen C5562060, MONDO:0859218, OMIM 619694.

Submission:

Pediatrics, Sichuan Provincial Hospital For Women And Children
Classification: Likely pathogenic for Developmental delay with variable neurologic and brain abnormalities. Review status: criteria provided, single submitter. Criteria: ACMG Guidelines, 2015. Collection method: provider interpretation. Allele origin: de novo. Inheritance: Autosomal dominant inheritance. Affected: yes.
Comment: PS2_Moderate + PM1 + PM2_Supporting + PP3 PS2_Moderate (Moderate Pathogenic Evidence): This variant has been identified as de novo in one or more phenotype-related families with confirmed parentage, achieving a score of 1 ≤ PS2-Case_Score < 2 [current case]. PM1 (Moderate Pathogenic Evidence): The variant is located in a pathogenic hotspot region (defined as a region where ≥3 pathogenic missense mutations and no benign missense variants are present within 10 base pairs (bp) on either side of the variant) or within a constrained coding region (cCR) where all missense variants in the cCR are pathogenic and no benign missense variants exist. PM2_Supporting (Supporting Pathogenic Evidence): The variant’s frequency in population databases is <0.0005 (AD/XL) or <0.001 (AR). PP3 (Supporting Pathogenic Evidence): Multiple bioinformatics computational methods predict that the variant is deleterious to the gene or gene product or affects splicing at a supporting evidence level.